The following is an entry in ClinVar:

NM_001393769.1(MED12L):c.2381G>T (p.Ser794Ile)

Genes: MED12L (mediator complex subunit 12L; plus strand), P2RY12 (purinergic receptor P2Y12; minus strand). Cytogenetic location: 3q25.1.
Variant type: single nucleotide variant.
Coding change: c.2381G>T on transcript NM_001393769.1 (MANE Select); coding-DNA position 2381, G replaced by T.
Protein change: p.Ser794Ile; replaces serine 794 with isoleucine.
Molecular consequence: missense variant. On other transcripts: intron variant (1).
Genome position (GRCh38, 1-based): chr3:151,350,189, G>T. VCF-style: chr3-151350189-G-T. GRCh37 (hg19) VCF-style: chr3-151067977-G-T.
Other names: c.2276G>T, p.Ser759Ile (NM_053002.6); c.-179-9429C>A (NM_022788.5); short protein forms S759I, S794I.
Identifiers: ClinVar variation 1683388 (VCV001683388.1), dbSNP rs2150018879, ClinGen allele CA354988393.

ClinVar aggregate classification (germline): Uncertain significance (1 of 4 stars; one submission).

Submission:

Women's Health and Genetics/Laboratory Corporation of America, LabCorp
Classification: Uncertain significance. Last evaluated: 2022-04-18. Review status: criteria provided, single submitter. Criteria: LabCorp Variant Classification Summary - May 2015. Collection method: clinical testing. Allele origin: germline.
Comment: Variant summary: MED12L c.2276G>T (p.Ser759Ile) results in a non-conservative amino acid change in the encoded protein sequence. Three of five in-silico tools predict a damaging effect of the variant on protein function. The variant was absent in 251110 control chromosomes. The available data on variant occurrences in the general population are insufficient to allow any conclusion about variant significance. To our knowledge, no occurrence of c.2276G>T in individuals affected with Nizon-Isidor Syndrome and no experimental evidence demonstrating its impact on protein function have been reported. No clinical diagnostic laboratories have submitted clinical-significance assessments for this variant to ClinVar after 2014. Based on the evidence outlined above, the variant was classified as uncertain significance.